The following is an entry in ClinVar:

NM_001170629.2(CHD8):c.6592C>T (p.Leu2198=)

Gene: CHD8 (chromodomain helicase DNA binding protein 8; minus strand). Cytogenetic location: 14q11.2.
Variant type: single nucleotide variant.
Coding change: c.6592C>T on transcript NM_001170629.2 (MANE Select); coding-DNA position 6592, C replaced by T.
Protein change: p.Leu2198=; no amino-acid change (leucine 2198 retained).
Molecular consequence: synonymous variant.
Genome position (GRCh38, 1-based): chr14:21,392,686, G>A on the plus strand (C>T on the coding strand, the complement: CHD8 is on the minus strand). VCF-style: chr14-21392686-G-A. GRCh37 (hg19) VCF-style: chr14-21860845-G-A.
Other names: c.5755C>T, p.Leu1919= (NM_020920.4).
Identifiers: ClinVar variation 5041002 (VCV005041002.1).
Genomic context (GRCh38, chr14:21,392,686, plus strand): 5'-TTCGTGGTGTGGGGACTGGAGAGTCACCATATTCTCCAGGAGTCAATGAGGGACTGTCTA[G>A]CAAGTGGTTGCCTGGCCCCAAAATTCCTCCTGTTACCATTTCCTGGCTCCTACGGCTAGA-3'
Protein context (NP_001164100.1, residues 2188-2208): GGILGPGNHL[Leu2198=]DSPSLTPGEY

ClinVar aggregate classification (germline): Likely benign (1 of 4 stars; one submission).

gnomAD v4.1: 3 of 1,614,014 alleles (0.00019%); highest among the groups gnomAD compares: South Asian, 0.0033%; no homozygotes.

Submission:

CeGaT Center for Human Genetics Tuebingen
Classification: Likely benign. Last evaluated: 2026-09-01. Review status: criteria provided, single submitter. Criteria: CeGaT Center For Human Genetics Tuebingen Variant Classification Criteria Version 2. Collection method: clinical testing. Allele origin: germline. Affected: yes. Observed: 1 variant allele.
Comment: CHD8: BP4, BP7